The following is an entry in ClinVar:

NM_001378454.1(ALMS1):c.899T>C (p.Leu300Pro)

Gene: ALMS1 (ALMS1 centrosome and basal body associated protein; plus strand). Cytogenetic location: 2p13.1.
Variant type: single nucleotide variant.
Coding change: c.899T>C on transcript NM_001378454.1 (MANE Select); coding-DNA position 899, T replaced by C.
Protein change: p.Leu300Pro; replaces leucine 300 with proline.
Molecular consequence: missense variant.
Genome position (GRCh38, 1-based): chr2:73,424,564, T>C. VCF-style: chr2-73424564-T-C. GRCh37 (hg19) VCF-style: chr2-73651692-T-C.
Other names: c.902T>C, p.Leu301Pro (NM_015120.4); short protein forms L300P, L301P.
Identifiers: ClinVar variation 3345246 (VCV003345246.1).

ClinVar aggregate classification (germline): Uncertain significance (0 of 4 stars; one submission).

Conditions:
ALMS1-related disorder. Also called: ALMS1-related condition.

gnomAD v4.1: 4 of 1,614,000 alleles (0.00025%); highest among the groups gnomAD compares: African/African-American, 0.0013%; no homozygotes.

Submission:

PreventionGenetics, part of Exact Sciences
Classification: Uncertain significance for ALMS1-related condition. Last evaluated: 2024-04-03. Review status: no assertion criteria provided. Collection method: clinical testing. Allele origin: germline.
Comment: The ALMS1 c.902T>C variant is predicted to result in the amino acid substitution p.Ile301Thr. To our knowledge, this variant has not been reported in the literature. This variant is reported in 0.0023% of alleles in individuals of European (Non-Finnish) descent in gnomAD. At this time, the clinical significance of this variant is uncertain due to the absence of conclusive functional and genetic evidence.